The following is an entry in ClinVar:

NM_001330260.2(SCN8A):c.1613G>A (p.Arg538Lys)

Gene: SCN8A (sodium voltage-gated channel alpha subunit 8; plus strand). Cytogenetic location: 12q13.13.
Variant type: single nucleotide variant.
Coding change: c.1613G>A on transcript NM_001330260.2 (MANE Select); coding-DNA position 1613, G replaced by A.
Protein change: p.Arg538Lys; replaces arginine 538 with lysine.
Molecular consequence: missense variant.
Genome position (GRCh38, 1-based): chr12:51,706,693, G>A. VCF-style: chr12-51706693-G-A. GRCh37 (hg19) VCF-style: chr12-52100477-G-A.
Other names: p.Arg538Lys; c.1613G>A, p.Arg538Lys (NM_001177984.3, NM_001369788.1, NM_014191.4); c.1613G>A (NM_014191.2); short protein forms R538K.
Identifiers: ClinVar variation 373646 (VCV000373646.17), dbSNP rs1057518528, ClinGen allele CA16042886.
Genomic context (GRCh38, chr12:51,706,693, plus strand): 5'-CAGAGTCAGAAGATGGCATGAGAAGGAAGGCCTTTCGGCTGCCAGACAACAGAATAGGGA[G>A]GAAATTTTCCATCATGAATCAGGTAAACTCTTCTTTTTTCTATACCTTTTTCAAAAATGT-3'
Protein context (NP_001317189.1, residues 528-548): AFRLPDNRIG[Arg538Lys]KFSIMNQSLL

ClinVar aggregate classification (germline): Uncertain significance. Review status: criteria provided, multiple submitters, no conflicts (2 of 4 stars). 5 submissions from 5 submitters: Uncertain significance (5). Last evaluated 2026-03-10.

Conditions:
Early-infantile DEE. Also called: Ohtahara syndrome; Early infantile epileptic encephalopathy; Early infantile epileptic encephalopathy with suppression bursts. Identifiers: Orphanet 1934, MedGen C0393706, MONDO:0800491.
Inborn genetic diseases. Identifiers: MedGen C0950123, MeSH D030342.

Allele frequency attached by ClinVar (database versions not stated): gnomAD 0.00001.
gnomAD v4.1: 8 of 1,542,948 alleles (0.00052%); highest among the groups gnomAD compares: African/African-American, 0.0014%; no homozygotes.

Submissions (5):

Women's Health and Genetics/Laboratory Corporation of America, LabCorp
Classification: Uncertain significance. Last evaluated: 2026-03-10. Review status: criteria provided, single submitter. Criteria: LabCorp Variant Classification Summary - May 2015. Collection method: clinical testing. Allele origin: germline.
Comment: Variant summary: SCN8A c.1613G>A (p.Arg538Lys) results in a conservative amino acid change in the encoded protein sequence. Algorithms developed to predict the effect of missense changes on protein structure and function are either unavailable or do not agree on the potential impact of this missense change. The frequency data for this variant in gnomAD is considered unreliable, as metrics indicate poor data quality at this position. To our knowledge, no occurrence of c.1613G>A in individuals affected with SCN8A-related conditions and no experimental evidence demonstrating its impact on protein function have been reported. ClinVar contains an entry for this variant (Variation ID: 373646). Based on the evidence outlined above, the variant was classified as uncertain significance.

Labcorp Genetics (formerly Invitae), Labcorp
Classification: Uncertain significance for Early-infantile DEE. Last evaluated: 2025-09-27. Review status: criteria provided, single submitter. Criteria: Invitae Variant Classification Sherloc (09022015). Collection method: clinical testing. Allele origin: germline.
Comment: This sequence change replaces arginine, which is basic and polar, with lysine, which is basic and polar, at codon 538 of the SCN8A protein (p.Arg538Lys). This variant is not present in population databases (gnomAD no frequency). This variant has not been reported in the literature in individuals affected with SCN8A-related conditions. ClinVar contains an entry for this variant (Variation ID: 373646). Invitae Evidence Modeling of protein sequence and biophysical properties (such as structural, functional, and spatial information, amino acid conservation, physicochemical variation, residue mobility, and thermodynamic stability) indicates that this missense variant is not expected to disrupt SCN8A protein function with a negative predictive value of 95%. In summary, the available evidence is currently insufficient to determine the role of this variant in disease. Therefore, it has been classified as a Variant of Uncertain Significance.

Ambry Genetics
Classification: Uncertain significance for Inborn genetic diseases. Last evaluated: 2025-05-18. Review status: criteria provided, single submitter. Criteria: Ambry Variant Classification Scheme 2023. Collection method: clinical testing. Allele origin: germline.

Mayo Clinic Laboratories, Mayo Clinic
Classification: Uncertain significance. Last evaluated: 2021-08-11. Review status: criteria provided, single submitter. Criteria: ACMG Guidelines, 2015. Collection method: clinical testing. Allele origin: germline.

GeneDx
Classification: Uncertain significance. Last evaluated: 2016-12-05. Review status: criteria provided, single submitter. Criteria: GeneDx Variant Classification (06012015). Collection method: clinical testing. Allele origin: germline. Affected: yes.
Comment: A variant of uncertain significance has been identified in the SCN8A gene. The R538K variant has not been published as a pathogenic variant, nor has it been reported as a benign variant to our knowledge. The R538K variant is not observed in large population cohorts (Lek et al., 2016; 1000 Genomes Consortium et al., 2015; Exome Variant Server). This substitution occurs at a conserved position predicted to be within the intracellular loop between first and second homologous domains. However, the R538K variant is a conservative amino acid substitution, which is not likely to impact secondary protein structure as these residues share similar properties. In silico analysis is inconsistent in its predictions as to whether or not the variant is damaging to the protein structure/function. Therefore, based on the currently available information, it is unclear whether this variant is a pathogenic variant or a rare benign variant.